The following is an entry in ClinVar:

ClinVar aggregate classification (germline): Uncertain significance (1 of 4 stars; one submission).

Conditions:
Inborn genetic diseases. Identifiers: MedGen C0950123, MeSH D030342.

Submission:

Ambry Genetics
Classification: Uncertain significance for Inborn genetic diseases. Last evaluated: 2024-03-22. Review status: criteria provided, single submitter. Criteria: Ambry Variant Classification Scheme 2023. Collection method: clinical testing. Allele origin: germline.
Comment: The c.6977C>A (p.T2326N) alteration is located in exon 34 (coding exon 34) of the DYNC1H1 gene. This alteration results from a C to A substitution at nucleotide position 6977, causing the threonine (T) at amino acid position 2326 to be replaced by an asparagine (N). This variant was not reported in population-based cohorts in the Genome Aggregation Database (gnomAD). This amino acid position is highly conserved in available vertebrate species. This missense alteration is located in a region that has a low rate of benign missense variation (Lek, 2016; Firth, 2009). The in silico prediction for this alteration is inconclusive. Based on insufficient or conflicting evidence, the clinical significance of this alteration remains unclear.

NM_001376.5(DYNC1H1):c.6977C>A (p.Thr2326Asn)

Gene: DYNC1H1 (dynein cytoplasmic 1 heavy chain 1; plus strand). Cytogenetic location: 14q32.31.
Variant type: single nucleotide variant.
Coding change: c.6977C>A on transcript NM_001376.5 (MANE Select); coding-DNA position 6977, C replaced by A.
Protein change: p.Thr2326Asn; replaces threonine 2326 with asparagine.
Molecular consequence: missense variant.
Genome position (GRCh38, 1-based): chr14:102,012,433, C>A. VCF-style: chr14-102012433-C-A. GRCh37 (hg19) VCF-style: chr14-102478770-C-A.
Other names: short protein forms T2326N.
Identifiers: ClinVar variation 3274140 (VCV003274140.1).